The following is an entry in ClinVar:

NM_005188.4(CBL):c.1468C>G (p.Gln490Glu)

Gene: CBL (Cbl proto-oncogene; plus strand). Cytogenetic location: 11q23.3.
Variant type: single nucleotide variant.
Coding change: c.1468C>G on transcript NM_005188.4 (MANE Select); coding-DNA position 1468, C replaced by G.
Protein change: p.Gln490Glu; replaces glutamine 490 with glutamic acid.
Molecular consequence: missense variant.
Genome position (GRCh38, 1-based): chr11:119,285,005, C>G. VCF-style: chr11-119285005-C-G. GRCh37 (hg19) VCF-style: chr11-119155715-C-G.
Other names: c.1468C>G (NM_005188.2); short protein forms Q490E.
Identifiers: ClinVar variation 1401737 (VCV001401737.38), dbSNP rs1368426444, ClinGen allele CA382917911.
Genomic context (GRCh38, chr11:119,285,005, plus strand): 5'-TGTTAAATTTTTTATGTACCCTAGGTGGAACGGCCGCCTTCTCCATTCTCCATGGCCCCA[C>G]AAGCTTCCCTTCCCCCGGTGCCACCACGACTTGACCTTCTGCCGCAGCGAGTATGTGTTC-3'
Protein context (NP_005179.2, residues 480-500): RPPSPFSMAP[Gln490Glu]ASLPPVPPRL

ClinVar aggregate classification (germline): Uncertain significance. Review status: criteria provided, multiple submitters, no conflicts (2 of 4 stars). 3 submissions from 3 submitters: Uncertain significance (3). Last evaluated 2025-12-09.

Conditions:
RASopathy. Also called: rasopathies; Noonan spectrum disorder. Identifiers: Orphanet 536391, MedGen C5555857, MONDO:0021060.
Cardiovascular phenotype. Identifiers: MedGen CN230736.

Allele frequency attached by ClinVar (database versions not stated): gnomAD exomes below 0.00001; gnomAD 0.00002; TOPMed 0.00002.
gnomAD v4.1: 18 of 1,614,084 alleles (0.0011%); highest among the groups gnomAD compares: Non-Finnish European, 0.0015%; no homozygotes.

Submissions (3):

Labcorp Genetics (formerly Invitae), Labcorp
Classification: Uncertain significance for RASopathy. Last evaluated: 2025-12-09. Review status: criteria provided, single submitter. Criteria: Invitae Variant Classification Sherloc (09022015). Collection method: clinical testing. Allele origin: germline.
Comment: This sequence change replaces glutamine, which is neutral and polar, with glutamic acid, which is acidic and polar, at codon 490 of the CBL protein (p.Gln490Glu). This variant is present in population databases (no rsID available, gnomAD 0.002%). This variant has not been reported in the literature in individuals affected with CBL-related conditions. ClinVar contains an entry for this variant (Variation ID: 1401737). Invitae Evidence Modeling of protein sequence and biophysical properties (such as structural, functional, and spatial information, amino acid conservation, physicochemical variation, residue mobility, and thermodynamic stability) indicates that this missense variant is not expected to disrupt CBL protein function with a negative predictive value of 95%. In summary, the available evidence is currently insufficient to determine the role of this variant in disease. Therefore, it has been classified as a Variant of Uncertain Significance.

CeGaT Center for Human Genetics Tuebingen
Classification: Uncertain significance. Last evaluated: 2024-07-01. Review status: criteria provided, single submitter. Criteria: CeGaT Center For Human Genetics Tuebingen Variant Classification Criteria Version 2. Collection method: clinical testing. Allele origin: germline. Affected: yes. Observed: 3 variant alleles.
Comment: CBL: PM2, PP3

Ambry Genetics
Classification: Uncertain significance for Cardiovascular phenotype. Last evaluated: 2022-12-01. Review status: criteria provided, single submitter. Criteria: Ambry Variant Classification Scheme 2023. Collection method: clinical testing. Allele origin: germline.